The following is an entry in ClinVar:

ClinVar aggregate classification (germline): Uncertain significance (1 of 4 stars; one submission).

Conditions:
Infantile-onset ascending hereditary spastic paralysis (IAHSP). Also called: Autosomal Recessive Juvenile Amyotrophic Lateral Sclerosis; Infantile-Onset Ascending Hereditary Spastic Paralysis (IAHSP). Identifiers: Orphanet 293168, MedGen C2931441, MONDO:0011797, OMIM 607225. Disease mechanism: loss of function.

Allele frequency attached by ClinVar (database versions not stated): gnomAD exomes below 0.00001 and 0.00001; ExAC 0.00001; gnomAD 0.00001; TOPMed 0.00002; ESP Exome Variant Server 0.00008.
gnomAD v4.1: 23 of 1,614,008 alleles (0.0014%); highest among the groups gnomAD compares: Non-Finnish European, 0.0018%; no homozygotes.

Submission:

Labcorp Genetics (formerly Invitae), Labcorp
Classification: Uncertain significance for Infantile-onset ascending hereditary spastic paralysis. Last evaluated: 2021-10-15. Review status: criteria provided, single submitter. Criteria: Invitae Variant Classification Sherloc (09022015). Collection method: clinical testing. Allele origin: germline.
Comment: This sequence change replaces leucine with valine at codon 495 of the ALS2 protein (p.Leu495Val). The leucine residue is moderately conserved and there is a small physicochemical difference between leucine and valine. This variant is present in population databases (rs371171182, ExAC 0.002%). This variant has not been reported in the literature in individuals affected with ALS2-related conditions. Algorithms developed to predict the effect of missense changes on protein structure and function are either unavailable or do not agree on the potential impact of this missense change (SIFT: "Tolerated"; PolyPhen-2: "Possibly Damaging"; Align-GVGD: "Class C0"). In summary, the available evidence is currently insufficient to determine the role of this variant in disease. Therefore, it has been classified as a Variant of Uncertain Significance.

NM_020919.4(ALS2):c.1483C>G (p.Leu495Val)

Gene: ALS2 (alsin Rho guanine nucleotide exchange factor ALS2; minus strand). Cytogenetic location: 2q33.1.
Variant type: single nucleotide variant.
Coding change: c.1483C>G on transcript NM_020919.4 (MANE Select); coding-DNA position 1483, C replaced by G.
Protein change: p.Leu495Val; replaces leucine 495 with valine.
Molecular consequence: missense variant.
Genome position (GRCh38, 1-based): chr2:201,754,660, G>C on the plus strand (C>G on the coding strand, the complement: ALS2 is on the minus strand). VCF-style: chr2-201754660-G-C. GRCh37 (hg19) VCF-style: chr2-202619383-G-C.
Other names: short protein forms L495V.
Identifiers: ClinVar variation 1375911 (VCV001375911.6), dbSNP rs371171182, ClinGen allele CA2058445.